The following is an entry in ClinVar:

ClinVar aggregate classification (germline): Pathogenic (1 of 4 stars; one submission).

Conditions:
Smith-Lemli-Opitz syndrome (SLOS). Also called: LETHAL ACRODYSGENITAL SYNDROME; POLYDACTYLY, SEX REVERSAL, RENAL HYPOPLASIA, AND UNILOBAR LUNG; RSH SYNDROME; RUTLEDGE LETHAL MULTIPLE CONGENITAL ANOMALY SYNDROME; 7-Dehydrocholesterol reductase deficiency. Identifiers: Orphanet 818, MedGen C0175694, MONDO:0010035, OMIM 270400.

Submission:

Myriad Genetics, Inc.
Classification: Pathogenic for Smith-Lemli-Opitz syndrome. Last evaluated: 2026-04-06. Review status: criteria provided, single submitter. Criteria: Myriad Autosomal Dominant, Autosomal Recessive and X-Linked Classification Criteria (2023). Collection method: clinical testing. Allele origin: unknown.
Comment: NM_001360.2(DHCR7):c.935delTinsCCC(V312Afs*102) is a frameshift variant classified as pathogenic in the context of Smith-Lemli-Opitz syndrome. V312Afs*102 has not been observed in cases with relevant disease. Relevant functional assessments of this variant are not available in the literature. V312Afs*102 has not been observed in referenced population frequency databases. In summary, NM_001360.2(DHCR7):c.935delTinsCCC(V312Afs*102) is a frameshift variant in a gene where loss of function is a known mechanism of disease and is predicted to disrupt protein function. Please note: this variant was assessed in the context of healthy population screening.

NM_001360.3(DHCR7):c.935delinsCCC (p.Val312fs)

Gene: DHCR7 (7-dehydrocholesterol reductase; minus strand). Cytogenetic location: 11q13.4.
Variant type: Indel.
Coding change: c.935delinsCCC on transcript NM_001360.3 (MANE Select); coding-DNA position 935, T replaced by CCC.
Protein change: p.Val312fs; shifts the reading frame from valine 312.
Molecular consequence: frameshift variant. On other transcripts: intron variant (1).
Genome position (GRCh38, 1-based): chr11:71,437,840, A replaced by GGG on the plus strand (T replaced by CCC on the coding strand, the reverse complement: DHCR7 is on the minus strand). VCF-style: chr11-71437840-A-GGG. GRCh37 (hg19) VCF-style: chr11-71148886-A-GGG.
Other names: c.935delinsCCC, p.Val312fs (NM_001163817.2, NM_001425109.1, NM_001425110.1 and 5 more transcripts); c.986delinsCCC, p.Val329fs (NM_001425107.1); c.971delinsCCC, p.Val324fs (NM_001425108.1); c.875delinsCCC, p.Val292fs (NM_001425113.1); c.839delinsCCC, p.Val280fs (NM_001425114.1, NM_001425116.1); c.761delinsCCC, p.Val254fs (NM_001425117.1); c.869+66delinsCCC (NM_001425121.1); short protein forms V280fs, V324fs, V254fs, V292fs, V312fs, V329fs.
Identifiers: ClinVar variation 5004585 (VCV005004585.1).